The following is an entry in ClinVar:

ClinVar aggregate classification (germline): Conflicting classifications of pathogenicity. Review status: criteria provided, conflicting classifications (1 of 4 stars). 3 submissions from 3 submitters: Uncertain significance (1); Likely benign (2). Last evaluated 2021-10-11.

Conditions:
Hereditary cancer-predisposing syndrome. Also called: Neoplastic Syndromes, Hereditary; Hereditary Cancer Syndrome; Hereditary neoplastic syndrome; Tumor predisposition. Identifiers: Orphanet 140162, MedGen C0027672, MeSH D009386, MONDO:0015356.

Allele frequency attached by ClinVar (database versions not stated): gnomAD exomes below 0.00001.
gnomAD v4.1: 1 of 1,614,148 alleles (0.000062%); highest among the groups gnomAD compares: East Asian, 0.0022%; no homozygotes.

Submissions (3):

Genetic Services Laboratory, University of Chicago
Classification: Uncertain significance. Last evaluated: 2021-10-11. Review status: criteria provided, single submitter. Criteria: ACMG Guidelines, 2015. Collection method: clinical testing. Allele origin: germline. Affected: no.

Ambry Genetics
Classification: Likely benign for Hereditary cancer-predisposing syndrome. Last evaluated: 2020-07-04. Review status: criteria provided, single submitter. Criteria: Ambry Variant Classification Scheme 2023. Collection method: clinical testing. Allele origin: germline.

Foulkes Cancer Genetics LDI, Lady Davis Institute for Medical Research
Classification: Likely benign. Last evaluated: 2019-07-01. Review status: criteria provided, single submitter. Criteria: ACMG Guidelines, 2015. Collection method: curation. Allele origin: somatic. Affected: yes. Observed: 1 variant allele.
Comment: ACMG criteria met: PM2, BP4, BP7

Literature cited by the submitters: PubMed 28012864 (cited by Foulkes Cancer Genetics LDI, Lady Davis Institute for Medical Research).

NM_177438.3(DICER1):c.4806C>T (p.Ala1602=)

Gene: DICER1 (dicer 1, ribonuclease III; minus strand). Cytogenetic location: 14q32.13.
Variant type: single nucleotide variant.
Coding change: c.4806C>T on transcript NM_177438.3 (MANE Select); coding-DNA position 4806, C replaced by T.
Protein change: p.Ala1602=; no amino-acid change (alanine 1602 retained).
Molecular consequence: synonymous variant.
Genome position (GRCh38, 1-based): chr14:95,096,114, G>A on the plus strand (C>T on the coding strand, the complement: DICER1 is on the minus strand). VCF-style: chr14-95096114-G-A. GRCh37 (hg19) VCF-style: chr14-95562451-G-A.
Other names: c.4806C>T, p.Ala1602= (NM_001195573.1, NM_001271282.3, NM_001291628.2 and 1 more transcripts).
Identifiers: ClinVar variation 933118 (VCV000933118.9), dbSNP rs1890302137, ClinGen allele CA487844172.